The following is an entry in ClinVar:

ClinVar aggregate classification (germline): Uncertain significance. Review status: criteria provided, multiple submitters, no conflicts (2 of 4 stars). 2 submissions from 2 submitters: Uncertain significance (2). Last evaluated 2021-12-18.

Conditions:
Nephronophthisis. Also called: Juvenile Nephronophthisis. Identifiers: Orphanet 655, MedGen C0687120, MONDO:0019005, HP:0000090.

Submissions (2):

Labcorp Genetics (formerly Invitae), Labcorp
Classification: Uncertain significance for Nephronophthisis. Last evaluated: 2021-12-18. Review status: criteria provided, single submitter. Criteria: Invitae Variant Classification Sherloc (09022015). Collection method: clinical testing. Allele origin: germline.
Comment: This variant has not been reported in the literature in individuals affected with NPHP4-related conditions. This variant is not present in population databases (gnomAD no frequency). This sequence change replaces alanine, which is neutral and non-polar, with proline, which is neutral and non-polar, at codon 578 of the NPHP4 protein (p.Ala578Pro). ClinVar contains an entry for this variant (Variation ID: 597696). In summary, the available evidence is currently insufficient to determine the role of this variant in disease. Therefore, it has been classified as a Variant of Uncertain Significance. Algorithms developed to predict the effect of missense changes on protein structure and function (SIFT, PolyPhen-2, Align-GVGD) all suggest that this variant is likely to be tolerated.

Eurofins Ntd Llc (ga)
Classification: Uncertain significance. Last evaluated: 2018-06-21. Review status: criteria provided, single submitter. Criteria: EGL ClinVar v180209 classification definitions. Collection method: clinical testing. Allele origin: germline. Observed: 1 variant allele, 1 heterozygote.

NM_015102.5(NPHP4):c.1732G>C (p.Ala578Pro)

Gene: NPHP4 (nephrocystin 4; minus strand). Cytogenetic location: 1p36.31.
Variant type: single nucleotide variant.
Coding change: c.1732G>C on transcript NM_015102.5 (MANE Select); coding-DNA position 1732, G replaced by C.
Protein change: p.Ala578Pro; replaces alanine 578 with proline.
Molecular consequence: missense variant. On other transcripts: non-coding transcript variant (1).
Genome position (GRCh38, 1-based): chr1:5,905,663, C>G on the plus strand (G>C on the coding strand, the complement: NPHP4 is on the minus strand). VCF-style: chr1-5905663-C-G. GRCh37 (hg19) VCF-style: chr1-5965723-C-G.
Other names: c.193G>C, p.Ala65Pro (NM_001291593.2); c.196G>C, p.Ala66Pro (NM_001291594.2); short protein forms A578P, A65P, A66P.
Identifiers: ClinVar variation 597696 (VCV000597696.9), dbSNP rs1557700541, ClinGen allele CA338055167.
Genomic context (GRCh38, chr1:5,905,663, plus strand): 5'-GTTCCATCCCACCCAGACCCACACCTCACCTCCTGGTCTGGGTTCCCACAACAATAGGGG[C>G]ATGCAAAGGCGTGAACGGCAGCTCCTGTAACTGTTCGGCAATGGATGTTTCCAGGACCAG-3'
Protein context (NP_055917.1, residues 568-588): LQELPFTPLH[Ala578Pro]PIVVGTQTRS